The following is an entry in ClinVar:

NM_014795.4(ZEB2):c.2378C>G (p.Ser793Cys)

Gene: ZEB2 (zinc finger E-box binding homeobox 2; minus strand). Cytogenetic location: 2q22.3.
Variant type: single nucleotide variant.
Coding change: c.2378C>G on transcript NM_014795.4 (MANE Select); coding-DNA position 2378, C replaced by G.
Protein change: p.Ser793Cys; replaces serine 793 with cysteine.
Molecular consequence: missense variant.
Genome position (GRCh38, 1-based): chr2:144,398,809, G>C on the plus strand (C>G on the coding strand, the complement: ZEB2 is on the minus strand). VCF-style: chr2-144398809-G-C. GRCh37 (hg19) VCF-style: chr2-145156376-G-C.
Other names: c.2306C>G, p.Ser769Cys (NM_001171653.2); short protein forms S769C, S793C.
Identifiers: ClinVar variation 3902881 (VCV003902881.1).
Genomic context (GRCh38, chr2:144,398,809, plus strand): 5'-GCCTGGAGCTCCTCAGAAGAGAAGCTGTTTGGAGTGTATGAACTACTGTGGGAGTTTTTA[G>C]AAGATGTGGAGGAAAGATTTAAGGGAGAAGGAGTATTACTCCTGGAGTGGTCCAATTTTT-3'
Protein context (NP_055610.1, residues 783-803): PSPLNLSSTS[Ser793Cys]KNSHSSSYTP

ClinVar aggregate classification (germline): Uncertain significance (1 of 4 stars; one submission).

Submission:

GeneDx
Classification: Uncertain significance. Last evaluated: 2024-12-08. Review status: criteria provided, single submitter. Criteria: GeneDx Variant Classification Process June 2021. Collection method: clinical testing. Allele origin: germline. Affected: yes.
Comment: Not observed at significant frequency in large population cohorts (gnomAD); In silico analysis indicates that this missense variant does not alter protein structure/function; Has not been previously published as pathogenic or benign to our knowledge; This variant is associated with the following publications: (PMID: 16053902)